The following is an entry in ClinVar:

NM_000553.6(WRN):c.3487G>A (p.Ala1163Thr)

Gene: WRN (WRN RecQ like helicase; plus strand). Cytogenetic location: 8p12.
Variant type: single nucleotide variant.
Coding change: c.3487G>A on transcript NM_000553.6 (MANE Select); coding-DNA position 3487, G replaced by A.
Protein change: p.Ala1163Thr; replaces alanine 1163 with threonine.
Molecular consequence: missense variant.
Genome position (GRCh38, 1-based): chr8:31,147,391, G>A. VCF-style: chr8-31147391-G-A. GRCh37 (hg19) VCF-style: chr8-31004907-G-A.
Other names: short protein forms A1163T.
Identifiers: ClinVar variation 1359650 (VCV001359650.6), dbSNP rs1802900868, ClinGen allele CA370925720.
Genomic context (GRCh38, chr8:31,147,391, plus strand): 5'-TTAAAAAGTGTTGTTTCTTTGTTTTTTGTTCAGATTGTGTTATATGGCAAATTGGTAGAA[G>A]CTAGGCAGAAACATGCCAATAAAATGGATGTTCCCCCAGCTATTCTGGCAACAAACAAGA-3'
Protein context (NP_000544.2, residues 1153-1173): QIVLYGKLVE[Ala1163Thr]RQKHANKMDV

ClinVar aggregate classification (germline): Uncertain significance (1 of 4 stars; one submission).

Conditions:
Werner syndrome (WRN). Identifiers: Orphanet 902, MedGen C0043119, MONDO:0010196, OMIM 277700.

Submission:

Labcorp Genetics (formerly Invitae), Labcorp
Classification: Uncertain significance for Werner syndrome. Last evaluated: 2024-05-29. Review status: criteria provided, single submitter. Criteria: Invitae Variant Classification Sherloc (09022015). Collection method: clinical testing. Allele origin: germline.
Comment: This sequence change replaces alanine with threonine at codon 1163 of the WRN protein (p.Ala1163Thr). The alanine residue is moderately conserved and there is a small physicochemical difference between alanine and threonine. This variant is not present in population databases (gnomAD no frequency). This variant has not been reported in the literature in individuals affected with WRN-related conditions. ClinVar contains an entry for this variant (Variation ID: 1359650). Algorithms developed to predict the effect of missense changes on protein structure and function output the following: SIFT: "Not Available"; PolyPhen-2: "Possibly Damaging"; Align-GVGD: "Not Available". The threonine amino acid residue is found in multiple mammalian species, which suggests that this missense change does not adversely affect protein function. In summary, the available evidence is currently insufficient to determine the role of this variant in disease. Therefore, it has been classified as a Variant of Uncertain Significance.